The following is an entry in ClinVar:

NM_001267550.2(TTN):c.106610A>G (p.Gln35537Arg)

Genes: TTN-AS1 (TTN antisense RNA 1; plus strand), TTN (titin; minus strand). Cytogenetic location: 2q31.2.
Variant type: single nucleotide variant.
Coding change: c.106610A>G on transcript NM_001267550.2 (MANE Select); coding-DNA position 106610, A replaced by G.
Protein change: p.Gln35537Arg; replaces glutamine 35537 with arginine.
Molecular consequence: missense variant.
Genome position (GRCh38, 1-based): chr2:178,529,141, T>C on the plus strand (A>G on the coding strand, the complement: TTN is on the minus strand). VCF-style: chr2-178529141-T-C. GRCh37 (hg19) VCF-style: chr2-179393868-T-C.
Other names: c.101687A>G, p.Gln33896Arg (NM_001256850.1); c.79415A>G, p.Gln26472Arg (NM_003319.4); c.98906A>G, p.Gln32969Arg (NM_133378.4); c.79790A>G, p.Gln26597Arg (NM_133432.3); c.79991A>G, p.Gln26664Arg (NM_133437.4); short protein forms Q33896R, Q35537R, Q26472R, Q26597R, Q26664R, Q32969R.
Identifiers: ClinVar variation 2946261 (VCV002946261.2), dbSNP rs2468312277, ClinGen allele CA349404113.

ClinVar aggregate classification (germline): Uncertain significance (1 of 4 stars; one submission).

Conditions:
Dilated cardiomyopathy 1G (CMD1G). Identifiers: Orphanet 154, MedGen C1858763, MONDO:0011400, OMIM 604145.
Autosomal recessive limb-girdle muscular dystrophy type 2J (LGMDR10). Also called: Limb-girdle muscular dystrophy, type 2J; MUSCULAR DYSTROPHY, LIMB-GIRDLE, AUTOSOMAL RECESSIVE 10. Identifiers: Orphanet 140922, MedGen C1837342, MONDO:0012127, OMIM 608807.

Allele frequency attached by ClinVar (database versions not stated): gnomAD exomes 0.00001.
gnomAD v4.1: 15 of 1,584,920 alleles (0.00095%); highest among the groups gnomAD compares: Non-Finnish European, 0.0013%; no homozygotes.

Submission:

Labcorp Genetics (formerly Invitae), Labcorp
Classification: Uncertain significance for Dilated cardiomyopathy 1G; Autosomal recessive limb-girdle muscular dystrophy type 2J. Last evaluated: 2023-04-06. Review status: criteria provided, single submitter. Criteria: Invitae Variant Classification Sherloc (09022015). Collection method: clinical testing. Allele origin: germline.
Comment: This variant is located in the M band of TTN (PMID: 25589632). Variants in this region may be relevant for neuromuscular disorders, but have not been definitively shown to cause cardiomyopathy (PMID: 23975875). In summary, the available evidence is currently insufficient to determine the role of this variant in disease. Therefore, it has been classified as a Variant of Uncertain Significance. Experimental studies and prediction algorithms are not available or were not evaluated, and the functional significance of this variant is currently unknown. This variant has not been reported in the literature in individuals affected with TTN-related conditions. This variant is not present in population databases (gnomAD no frequency). This sequence change replaces glutamine, which is neutral and polar, with arginine, which is basic and polar, at codon 35537 of the TTN protein (p.Gln35537Arg).

Literature cited by the submitters: PubMed 25589632; PubMed 23975875.